The following is an entry in ClinVar:

ClinVar aggregate classification (germline): Uncertain significance (1 of 4 stars; one submission).

Conditions:
Neuropathy, hereditary sensory, type 1F. Also called: Hereditary sensory neuropathy type IF; HSN IF. Identifiers: Orphanet 36386, MedGen C3810194, MONDO:0014286, OMIM 615632.

Allele frequency attached by ClinVar (database versions not stated): gnomAD exomes below 0.00001 and 0.00001; TOPMed below 0.00001.
gnomAD v4.1: 4 of 1,604,456 alleles (0.00025%); highest among the groups gnomAD compares: Non-Finnish European, 0.00034%; no homozygotes.

Submission:

Labcorp Genetics (formerly Invitae), Labcorp
Classification: Uncertain significance for Neuropathy, hereditary sensory, type 1F. Last evaluated: 2022-06-16. Review status: criteria provided, single submitter. Criteria: Invitae Variant Classification Sherloc (09022015). Collection method: clinical testing. Allele origin: germline.
Comment: In summary, the available evidence is currently insufficient to determine the role of this variant in disease. Therefore, it has been classified as a Variant of Uncertain Significance. Algorithms developed to predict the effect of missense changes on protein structure and function (SIFT, PolyPhen-2, Align-GVGD) all suggest that this variant is likely to be disruptive. This variant has not been reported in the literature in individuals affected with ATL3-related conditions. This variant is not present in population databases (gnomAD no frequency). This sequence change replaces tryptophan, which is neutral and slightly polar, with glycine, which is neutral and non-polar, at codon 95 of the ATL3 protein (p.Trp95Gly).

NM_015459.5(ATL3):c.283T>G (p.Trp95Gly)

Genes: ATL3 (atlastin GTPase 3; minus strand), LNCROPM (lncRNA regulator of PLAAT3 mediated phospholipid metabolism; plus strand). Cytogenetic location: 11q13.1.
Variant type: single nucleotide variant.
Coding change: c.283T>G on transcript NM_015459.5 (MANE Select); coding-DNA position 283, T replaced by G.
Protein change: p.Trp95Gly; replaces tryptophan 95 with glycine.
Molecular consequence: missense variant.
Genome position (GRCh38, 1-based): chr11:63,658,883, A>C on the plus strand (T>G on the coding strand, the complement: ATL3 is on the minus strand). VCF-style: chr11-63658883-A-C. GRCh37 (hg19) VCF-style: chr11-63426355-A-C.
Other names: c.229T>G, p.Trp77Gly (NM_001290048.2); short protein forms W77G, W95G.
Identifiers: ClinVar variation 1483398 (VCV001483398.8), dbSNP rs1565281794, ClinGen allele CA381030414.
Genomic context (GRCh38, chr11:63,658,883, plus strand): 5'-CTGGATCAGATCCCCCTCTCCAGGAAAATCCTGTTAACGGTTCTTCTGGGTCACCCAACC[A>C]ATTTGAATGGCCACTTTCCTTCTACAGAAGTAAGAAATTTCTATTAAATCTTAAATTAAA-3'
Protein context (NP_056274.3, residues 85-105): YSQKESGHSN[Trp95Gly]LGDPEEPLTG